The following is an entry in ClinVar:

NM_001378454.1(ALMS1):c.1432+4C>T

Gene: ALMS1 (ALMS1 centrosome and basal body associated protein; plus strand). Cytogenetic location: 2p13.1.
Variant type: single nucleotide variant.
Coding change: c.1432+4C>T on transcript NM_001378454.1 (MANE Select); 4 bases into the intron after coding-DNA position 1432, C replaced by T.
Molecular consequence: intron variant.
Genome position (GRCh38, 1-based): chr2:73,432,295, C>T. VCF-style: chr2-73432295-C-T. GRCh37 (hg19) VCF-style: chr2-73659423-C-T.
Other names: c.1435+4C>T (NM_015120.4); c.1432+4C>T (NM_015120.4).
Identifiers: ClinVar variation 551657 (VCV000551657.27), dbSNP rs200933935, ClinGen allele CA1713153.

ClinVar aggregate classification (germline): Conflicting classifications of pathogenicity. Review status: criteria provided, conflicting classifications (1 of 4 stars). 6 submissions from 6 submitters: Uncertain significance (4); Likely benign (1). 1 of the submissions does not count toward it. Last evaluated 2024-07-01.

Conditions:
Cardiovascular phenotype. Identifiers: MedGen CN230736.
Alstrom syndrome (ALMS). Identifiers: Orphanet 64, MedGen C0268425, MONDO:0008763, OMIM 203800.

Allele frequency attached by ClinVar (database versions not stated): TOPMed 0.00002; gnomAD 0.00003; ExAC 0.00004; ESP Exome Variant Server 0.00008; 1000 Genomes Project 30x 0.00016; 1000 Genomes Project 0.00020.
gnomAD v4.1: 44 of 1,601,722 alleles (0.0027%); highest among the groups gnomAD compares: South Asian, 0.011%; no homozygotes.

Submissions (6):

CeGaT Center for Human Genetics Tuebingen
Classification: Uncertain significance. Last evaluated: 2024-07-01. Review status: criteria provided, single submitter. Criteria: CeGaT Center For Human Genetics Tuebingen Variant Classification Criteria Version 2. Collection method: clinical testing. Allele origin: germline. Affected: yes. Observed: 1 variant allele.
Comment: ALMS1: PM2, BP4

Ambry Genetics
Classification: Uncertain significance for Cardiovascular phenotype. Last evaluated: 2023-11-21. Review status: criteria provided, single submitter. Criteria: Ambry Variant Classification Scheme 2023. Collection method: clinical testing. Allele origin: germline.
Comment: The c.1435+4C>T intronic variant results from a C to T substitution 4 nucleotides after coding exon 7 in the ALMS1 gene. This nucleotide position is poorly conserved in available vertebrate species. In silico splice site analysis predicts that this alteration will not have any significant effect on splicing. Since supporting evidence is limited at this time, the clinical significance of this alteration remains unclear.

Blueprint Genetics
Classification: Uncertain significance. Last evaluated: 2022-10-31. Review status: criteria provided, single submitter. Criteria: ACMG Guidelines, 2015. Collection method: clinical testing. Allele origin: germline.

Labcorp Genetics (formerly Invitae), Labcorp
Classification: Uncertain significance for Alstrom syndrome. Last evaluated: 2022-07-22. Review status: criteria provided, single submitter. Criteria: Invitae Variant Classification Sherloc (09022015). Collection method: clinical testing. Allele origin: germline.
Comment: This sequence change falls in intron 7 of the ALMS1 gene. It does not directly change the encoded amino acid sequence of the ALMS1 protein. It affects a nucleotide within the consensus splice site. This variant is present in population databases (rs200933935, gnomAD 0.02%). This variant has not been reported in the literature in individuals affected with ALMS1-related conditions. ClinVar contains an entry for this variant (Variation ID: 551657). Variants that disrupt the consensus splice site are a relatively common cause of aberrant splicing (PMID: 17576681, 9536098). Experimental studies and prediction algorithms are not available or were not evaluated, and the effect of this variant on mRNA splicing is currently unknown. In summary, the available evidence is currently insufficient to determine the role of this variant in disease. Therefore, it has been classified as a Variant of Uncertain Significance.

GeneDx
Classification: Likely benign. Last evaluated: 2018-08-30. Review status: criteria provided, single submitter. Criteria: GeneDx Variant Classification Process June 2021. Collection method: clinical testing. Allele origin: germline. Affected: yes.

Counsyl
Classification: Uncertain significance for Alstrom syndrome. Last evaluated: 2017-05-03. Review status: no assertion criteria provided. Collection method: clinical testing. Allele origin: unknown. Not counted in ClinVar's aggregate classification.

Literature cited by the submitters: PubMed 17576681 (cited by Labcorp Genetics (formerly Invitae), Labcorp); PubMed 9536098 (cited by Labcorp Genetics (formerly Invitae), Labcorp).